The following is an entry in ClinVar:

ClinVar aggregate classification (germline): Likely pathogenic (1 of 4 stars; one submission).

Conditions:
FREM2-related disorder. Also called: FREM2-related condition.

Submission:

PreventionGenetics, part of Exact Sciences
Classification: Likely pathogenic for FREM2-related condition. Last evaluated: 2024-11-27. Review status: criteria provided, single submitter. Criteria: ACMG Guidelines, 2015. Collection method: clinical testing. Allele origin: germline.
Comment: The FREM2 c.8813delG variant is predicted to result in a frameshift and premature protein termination (p.Gly2938Alafs*3). To our knowledge, this variant has not been reported in the literature or in a large population database (gnomAD), indicating this variant is rare. Frameshift variants in FREM2 are expected to be pathogenic. This variant is interpreted as likely pathogenic.

NM_207361.6(FREM2):c.8813del (p.Gly2938fs)

Gene: FREM2 (FRAS1 related extracellular matrix 2; plus strand). Cytogenetic location: 13q13.3.
Variant type: Deletion.
Coding change: c.8813del on transcript NM_207361.6 (MANE Select); coding-DNA position 8813, one base deleted (G; older notation c.8813delG).
Protein change: p.Gly2938fs; shifts the reading frame from glycine 2938.
Molecular consequence: frameshift variant.
Genome position (GRCh38, 1-based): chr13:38,878,275, G deleted; the last of 2 consecutive G bases (chr13:38,878,274-38,878,275); deleting either gives the same sequence. VCF-style (leftmost placement, unchanged base first): chr13-38878273-TG-T. GRCh37 (hg19) VCF-style: chr13-39452410-TG-T.
Other names: short protein forms G2938fs.
Identifiers: ClinVar variation 4999294 (VCV004999294.1).